The following is an entry in ClinVar:

NM_000203.5(IDUA):c.1923C>G (p.Val641=)

Gene: IDUA (alpha-L-iduronidase; plus strand). Cytogenetic location: 4p16.3.
Variant type: single nucleotide variant.
Coding change: c.1923C>G on transcript NM_000203.5 (MANE Select); coding-DNA position 1923, C replaced by G.
Protein change: p.Val641=; no amino-acid change (valine 641 retained).
Molecular consequence: synonymous variant. On other transcripts: non-coding transcript variant (1).
Genome position (GRCh38, 1-based): chr4:1,004,354, C>G. VCF-style: chr4-1004354-C-G. GRCh37 (hg19) VCF-style: chr4-998142-C-G.
Other names: c.1527C>G, p.Val509= (NM_001363576.1); c.1923C>G (NM_000203.4).
Identifiers: ClinVar variation 1077782 (VCV001077782.12), dbSNP rs2153023320, ClinGen allele CA437919111.
Genomic context (GRCh38, chr4:1,004,354, plus strand): 5'-AGCCCTGGACTACTGGGCCCGACCAGGCCCCTTCTCGGACCCTGTGCCGTACCTGGAGGT[C>G]CCTGTGCCAAGAGGGCCCCCATCCCCGGGCAATCCATGAGCCTGTGCTGAGCCCCAGTGG-3'
Protein context (NP_000194.2, residues 631-651): PFSDPVPYLE[Val641=]PVPRGPPSPG

ClinVar aggregate classification (germline): Likely benign. Review status: criteria provided, multiple submitters, no conflicts (2 of 4 stars). 2 submissions from 2 submitters: Likely benign (2). Last evaluated 2026-09-22.

Conditions:
Mucopolysaccharidosis type 1. Also called: Mucopolysaccharidosis Type I; IDUA deficiency; MPS I. Identifiers: Orphanet 579, MedGen C0023786, MONDO:0001586.
IDUA-related disorder. Also called: IDUA-related condition.

Submissions (2):

PreventionGenetics, part of Exact Sciences
Classification: Likely benign for IDUA-related condition. Last evaluated: 2026-09-22. Review status: criteria provided, single submitter. Criteria: ACMG Guidelines, 2015. Collection method: clinical testing. Allele origin: germline.
Comment: This variant is classified as likely benign based on ACMG/AMP sequence variant interpretation guidelines (Richards et al. 2015 PMID: 25741868, with internal and published modifications).

Labcorp Genetics (formerly Invitae), Labcorp
Classification: Likely benign for Mucopolysaccharidosis type 1. Last evaluated: 2023-11-01. Review status: criteria provided, single submitter. Criteria: Invitae Variant Classification Sherloc (09022015). Collection method: clinical testing. Allele origin: germline.